The following is an entry in ClinVar:

ClinVar aggregate classification (germline): Pathogenic. Review status: criteria provided, multiple submitters, no conflicts (2 of 4 stars). 2 submissions from 2 submitters: Pathogenic (2). Last evaluated 2022-11-06.

Conditions:
Primary ciliary dyskinesia. Also called: Ciliary dyskinesia. Identifiers: Orphanet 244, MedGen C0008780, MONDO:0016575, HP:0012265.
RPGR-related disorder. Also called: RPGR-related condition.

Submissions (2):

Blueprint Genetics
Classification: Pathogenic for RPGR-related disorders. Last evaluated: 2022-11-06. Review status: criteria provided, single submitter. Criteria: ACMG Guidelines, 2015. Collection method: clinical testing. Allele origin: germline. Affected: yes. Observed: 2 variant alleles.

Labcorp Genetics (formerly Invitae), Labcorp
Classification: Pathogenic for Primary ciliary dyskinesia. Last evaluated: 2022-10-26. Review status: criteria provided, single submitter. Criteria: Invitae Variant Classification Sherloc (09022015). Collection method: clinical testing. Allele origin: germline.
Comment: This sequence change creates a premature translational stop signal (p.Glu1054*) in the RPGR (ORF15) gene. While this is not anticipated to result in nonsense mediated decay, it is expected to disrupt the last 99 amino acid(s) of the RPGR (ORF15) protein. This variant is not present in population databases (gnomAD no frequency). This variant has not been reported in the literature in individuals affected with RPGR (ORF15)-related conditions. ClinVar contains an entry for this variant (Variation ID: 975140). This variant disrupts a region of the RPGR (ORF15) protein in which other variant(s) (p.Leu1130Lysfs*13) have been determined to be pathogenic (PMID: 22264887; Invitae). This suggests that this is a clinically significant region of the protein, and that variants that disrupt it are likely to be disease-causing. For these reasons, this variant has been classified as Pathogenic.

Literature cited by the submitters: PubMed 22264887 (cited by Labcorp Genetics (formerly Invitae), Labcorp).

NM_001034853.2(RPGR):c.3160G>T (p.Glu1054Ter)

Gene: RPGR (retinitis pigmentosa GTPase regulator; minus strand). Cytogenetic location: Xp11.4.
Variant type: single nucleotide variant.
Coding change: c.3160G>T on transcript NM_001034853.2 (MANE Select); coding-DNA position 3160, G replaced by T.
Protein change: p.Glu1054Ter; replaces glutamic acid 1054 with a stop codon.
Molecular consequence: nonsense. On other transcripts: intron variant (8).
Genome position (GRCh38, 1-based): chrX:38,285,839, C>A on the plus strand (G>T on the coding strand, the complement: RPGR is on the minus strand). VCF-style: chrX-38285839-C-A. GRCh37 (hg19) VCF-style: chrX-38145092-C-A.
Other names: c.1569+5120G>T (NM_001367249.1, NM_001367250.1); c.1902+1255G>T (NM_001367245.1); c.1386+5120G>T (NM_001367251.1); c.1719+1255G>T (NM_001367246.1); c.1572+5120G>T (NM_001367247.1); c.1905+1255G>T (NM_000328.3); c.1602+5120G>T (NM_001367248.1); short protein forms E1054*.
Identifiers: ClinVar variation 975140 (VCV000975140.5), dbSNP rs2067118339, ClinGen allele CA412728870.